The following is an entry in ClinVar:

NM_024408.4(NOTCH2):c.3467A>C (p.Asn1156Thr)

Gene: NOTCH2 (notch receptor 2; minus strand). Cytogenetic location: 1p12.
Variant type: single nucleotide variant.
Coding change: c.3467A>C on transcript NM_024408.4 (MANE Select); coding-DNA position 3467, A replaced by C.
Protein change: p.Asn1156Thr; replaces asparagine 1156 with threonine.
Molecular consequence: missense variant.
Genome position (GRCh38, 1-based): chr1:119,937,337, T>G on the plus strand (A>C on the coding strand, the complement: NOTCH2 is on the minus strand). VCF-style: chr1-119937337-T-G. GRCh37 (hg19) VCF-style: chr1-120479960-T-G.
Other names: c.3467A>C, p.Asn1156Thr (NM_001200001.2); short protein forms N1156T.
Identifiers: ClinVar variation 2662451 (VCV002662451.1), dbSNP rs782760871, ClinGen allele CA341851924.
Genomic context (GRCh38, chr1:119,937,337, plus strand): 5'-CTCACCTCGCATCTGTATCCACCAATGAAGTCACTGCATGTTGCCCCGTGCTGGCAGGGG[T>G]TGGACGCACACTCATCGAGTTGCTCCTCACAGTAGCTCCCAGTATAGCCCAGGGGGCACT-3'
Protein context (NP_077719.2, residues 1146-1166): CEEQLDECAS[Asn1156Thr]PCQHGATCSD

ClinVar aggregate classification (germline): Uncertain significance (1 of 4 stars; one submission).

Submission:

GeneDx
Classification: Uncertain significance. Last evaluated: 2023-10-24. Review status: criteria provided, single submitter. Criteria: GeneDx Variant Classification Process June 2021. Collection method: clinical testing. Allele origin: germline. Affected: yes.
Comment: Not observed at significant frequency in large population cohorts (gnomAD); In silico analysis supports that this missense variant does not alter protein structure/function; Has not been previously published as pathogenic or benign to our knowledge